The following is an entry in ClinVar:

ClinVar aggregate classification (germline): Pathogenic (1 of 4 stars; one submission).

Submission:

Labcorp Genetics (formerly Invitae), Labcorp
Classification: Pathogenic. Last evaluated: 2023-04-06. Review status: criteria provided, single submitter. Criteria: Invitae Variant Classification Sherloc (09022015). Collection method: clinical testing. Allele origin: germline.
Comment: For these reasons, this variant has been classified as Pathogenic. This sequence change creates a premature translational stop signal (p.Arg238Lysfs*11) in the LCA5 gene. It is expected to result in an absent or disrupted protein product. Loss-of-function variants in LCA5 are known to be pathogenic (PMID: 17546029, 23946133). This variant is not present in population databases (gnomAD no frequency). This variant has not been reported in the literature in individuals affected with LCA5-related conditions. ClinVar contains an entry for this variant (Variation ID: 1422680).

Literature cited by the submitters: PubMed 17546029; PubMed 23946133.

NM_001122769.3(LCA5):c.713del (p.Arg238fs)

Gene: LCA5 (lebercilin LCA5; minus strand). Cytogenetic location: 6q14.1.
Variant type: Deletion.
Coding change: c.713del on transcript NM_001122769.3 (MANE Select); coding-DNA position 713, one base deleted (G; older notation c.713delG).
Protein change: p.Arg238fs; shifts the reading frame from arginine 238.
Molecular consequence: frameshift variant.
Genome position (GRCh38, 1-based): chr6:79,513,219, C deleted on the plus strand (G on the coding strand, the reverse complement: LCA5 is on the minus strand). VCF-style (leftmost placement, unchanged base first): chr6-79513218-TC-T. GRCh37 (hg19) VCF-style: chr6-80222935-TC-T.
Other names: c.713del, p.Arg238fs (NM_181714.4); short protein forms R238fs.
Identifiers: ClinVar variation 1422680 (VCV001422680.6), dbSNP rs2127679847, ClinGen allele CA2573141173.
Genomic context (GRCh38, chr6:79,513,218, plus strand): 5'-TGCCCAATGAGAAACATCCCAAGAAAGTACAATTAGAAGCTGTAGAAATTGTACCTTAAT[TC>T]TTCTCTCGGTGTCATCTAACTTTAACTCTGCTGAAACTAGTTTCTTTGCCAAATCATCTC-3'